The following is an entry in ClinVar:

ClinVar aggregate classification (germline): Uncertain significance (1 of 4 stars; one submission).

gnomAD v4.1: 3 of 1,614,096 alleles (0.00019%); highest among the groups gnomAD compares: Non-Finnish European, 0.00017%; no homozygotes.

Submission:

GeneDx
Classification: Uncertain significance. Last evaluated: 2023-05-15. Review status: criteria provided, single submitter. Criteria: GeneDx Variant Classification Process June 2021. Collection method: clinical testing. Allele origin: germline. Affected: yes.
Comment: Not observed at significant frequency in large population cohorts (gnomAD); In silico analysis supports that this missense variant does not alter protein structure/function; Has not been previously published as pathogenic or benign to our knowledge

NM_001348323.3(TRIP12):c.4432G>C (p.Glu1478Gln)

Gene: TRIP12 (thyroid hormone receptor interactor 12; minus strand). Cytogenetic location: 2q36.3.
Variant type: single nucleotide variant.
Coding change: c.4432G>C on transcript NM_001348323.3 (MANE Select); coding-DNA position 4432, G replaced by C.
Protein change: p.Glu1478Gln; replaces glutamic acid 1478 with glutamine.
Molecular consequence: missense variant.
Genome position (GRCh38, 1-based): chr2:229,791,235, C>G on the plus strand (G>C on the coding strand, the complement: TRIP12 is on the minus strand). VCF-style: chr2-229791235-C-G. GRCh37 (hg19) VCF-style: chr2-230655951-C-G.
Other names: c.4351G>C, p.Glu1451Gln (NM_001284214.2, NM_001348315.2); c.4306G>C, p.Glu1436Gln (NM_001284215.2, NM_001348316.2); c.3397G>C, p.Glu1133Gln (NM_001284216.2); c.4291G>C, p.Glu1431Gln (NM_001348317.1, NM_001348318.2); c.4417G>C, p.Glu1473Gln (NM_001348319.1, NM_001348320.2); c.4420G>C, p.Glu1474Gln (NM_001348321.1); c.4432G>C, p.Glu1478Gln (NM_001348322.1, NM_001348324.2, NM_001348325.2 and 2 more transcripts); c.4435G>C, p.Glu1479Gln (NM_001348328.1, NM_001348329.2, NM_001348330.2); and 4 more; short protein forms E1133Q, E1403Q, E1404Q, E1431Q, E1436Q, E1444Q, E1451Q, E1452Q.
Identifiers: ClinVar variation 1704782 (VCV001704782.3), dbSNP rs1300925899, ClinGen allele CA350898426.
Genomic context (GRCh38, chr2:229,791,235, plus strand): 5'-GAGCTGTTTGGGCTCTTCCTCTTTTACCACCAACACAATCTTTATTACTTTCTTCATCCT[C>G]TCTCACAGGTTTATACCTAAAATGACAAGACAGTATATAAACCAAATGTAGATTTTGAAA-3'
Protein context (NP_001335252.1, residues 1468-1488): THTIWYKPVR[Glu1478Gln]DEESNKDCVG